The following is an entry in ClinVar:

NM_000018.4(ACADVL):c.1659del (p.Lys553fs)

Gene: ACADVL (acyl-CoA dehydrogenase very long chain; plus strand). Cytogenetic location: 17p13.1.
Variant type: Deletion.
Coding change: c.1659del on transcript NM_000018.4 (MANE Select); coding-DNA position 1659, one base deleted (A; older notation c.1659delA).
Protein change: p.Lys553fs; shifts the reading frame from lysine 553.
Molecular consequence: frameshift variant.
Genome position (GRCh38, 1-based): chr17:7,224,533, A deleted; the last of 4 consecutive A bases (chr17:7,224,530-7,224,533); deleting any one gives the same sequence. VCF-style (leftmost placement, unchanged base first): chr17-7224529-TA-T. GRCh37 (hg19) VCF-style: chr17-7127848-TA-T.
Other names: c.1593del, p.Lys531fs (NM_001033859.3); c.1728del, p.Lys576fs (NM_001270447.2); c.1431del, p.Lys477fs (NM_001270448.2); short protein forms K553fs, K477fs, K576fs, K531fs.
Identifiers: ClinVar variation 2173388 (VCV002173388.4), dbSNP rs2508361978, ClinGen allele CA497694351.

ClinVar aggregate classification (germline): Pathogenic (1 of 4 stars; one submission).

Conditions:
Very long chain acyl-CoA dehydrogenase deficiency (ACADVLD). Also called: VLCAD Deficiency; Very Long-Chain Acyl-Coenzyme A Dehydrogenase Deficiency. Identifiers: Orphanet 26793, MedGen C3887523, MONDO:0008723, OMIM 201475.

Submission:

Labcorp Genetics (formerly Invitae), Labcorp
Classification: Pathogenic for Very long chain acyl-CoA dehydrogenase deficiency. Last evaluated: 2022-05-11. Review status: criteria provided, single submitter. Criteria: Invitae Variant Classification Sherloc (09022015). Collection method: clinical testing. Allele origin: germline.
Comment: This variant is not present in population databases (gnomAD no frequency). This sequence change creates a premature translational stop signal (p.Lys553Asnfs*37) in the ACADVL gene. It is expected to result in an absent or disrupted protein product. Loss-of-function variants in ACADVL are known to be pathogenic (PMID: 9973285, 11590124). This variant has not been reported in the literature in individuals affected with ACADVL-related conditions. For these reasons, this variant has been classified as Pathogenic.

Literature cited by the submitters: PubMed 9973285; PubMed 11590124.